The following is an entry in ClinVar:

ClinVar aggregate classification (germline): Uncertain significance (1 of 4 stars; one submission).

Allele frequency attached by ClinVar (database versions not stated): TOPMed below 0.00001; ExAC 0.00001.

Submission:

Labcorp Genetics (formerly Invitae), Labcorp
Classification: Uncertain significance. Last evaluated: 2023-02-10. Review status: criteria provided, single submitter. Criteria: Invitae Variant Classification Sherloc (09022015). Collection method: clinical testing. Allele origin: germline.
Comment: In summary, the available evidence is currently insufficient to determine the role of this variant in disease. Therefore, it has been classified as a Variant of Uncertain Significance. Algorithms developed to predict the effect of missense changes on protein structure and function (SIFT, PolyPhen-2, Align-GVGD) all suggest that this variant is likely to be tolerated. This variant has not been reported in the literature in individuals affected with DNM1L-related conditions. This variant is present in population databases (rs755273034, gnomAD 0.0009%). This sequence change replaces methionine, which is neutral and non-polar, with threonine, which is neutral and polar, at codon 227 of the DNM1L protein (p.Met227Thr).

NM_012062.5(DNM1L):c.680T>C (p.Met227Thr)

Gene: DNM1L (dynamin 1 like; plus strand). Cytogenetic location: 12p11.21.
Variant type: single nucleotide variant.
Coding change: c.680T>C on transcript NM_012062.5 (MANE Select); coding-DNA position 680, T replaced by C.
Protein change: p.Met227Thr; replaces methionine 227 with threonine.
Molecular consequence: missense variant. On other transcripts: intron variant (1).
Genome position (GRCh38, 1-based): chr12:32,718,703, T>C. VCF-style: chr12-32718703-T-C. GRCh37 (hg19) VCF-style: chr12-32871637-T-C.
Other names: c.680T>C, p.Met227Thr (NM_001278463.2, NM_005690.5, NM_012063.4); c.719T>C, p.Met240Thr (NM_001278464.2, NM_001278465.2, NM_001330380.2); c.132-1961T>C (NM_001278466.2); short protein forms M240T, M227T.
Identifiers: ClinVar variation 2721277 (VCV002721277.3), dbSNP rs755273034, ClinGen allele CA6507394.